The following is an entry in ClinVar:

ClinVar aggregate classification (germline): Conflicting classifications of pathogenicity. Review status: criteria provided, conflicting classifications (1 of 4 stars). 4 submissions from 4 submitters: Uncertain significance (1); Likely benign (3). Last evaluated 2025-12-24.

Conditions:
Gray platelet syndrome (GPS). Also called: BLEEDING DISORDER, PLATELET-TYPE, 4. Identifiers: Orphanet 721, MedGen C0272302, MONDO:0007686, OMIM 139090.

Allele frequency attached by ClinVar (database versions not stated): 1000 Genomes Project 30x 0.00016; 1000 Genomes Project 0.00020; ExAC 0.00047; ESP Exome Variant Server 0.00064; gnomAD exomes 0.00065 and 0.00131; TOPMed 0.00066; gnomAD 0.00073 and 0.00074.
gnomAD v4.1: 2,002 of 1,613,686 alleles (0.12%); highest among the groups gnomAD compares: Non-Finnish European, 0.16%; 3 homozygotes.

Submissions (4):

Labcorp Genetics (formerly Invitae), Labcorp
Classification: Likely benign. Last evaluated: 2025-12-24. Review status: criteria provided, single submitter. Criteria: Invitae Variant Classification Sherloc (09022015). Collection method: clinical testing. Allele origin: germline.

CeGaT Center for Human Genetics Tuebingen
Classification: Likely benign. Last evaluated: 2025-12-01. Review status: criteria provided, single submitter. Criteria: CeGaT Center For Human Genetics Tuebingen Variant Classification Criteria Version 2. Collection method: clinical testing. Allele origin: germline. Affected: yes. Observed: 2 variant alleles.
Comment: NBEAL2: BP4, BP7

Blueprint Genetics
Classification: Likely benign. Last evaluated: 2024-11-14. Review status: criteria provided, single submitter. Criteria: ACMG Guidelines, 2015. Collection method: clinical testing. Allele origin: germline.

Illumina Laboratory Services, Illumina
Classification: Uncertain significance for Gray platelet syndrome. Last evaluated: 2018-01-12. Review status: criteria provided, single submitter. Criteria: ICSL Variant Classification Criteria 13 December 2019. Collection method: clinical testing. Allele origin: germline.

NM_015175.3(NBEAL2):c.4029T>C (p.Asp1343=)

Gene: NBEAL2 (neurobeachin like 2; plus strand). Cytogenetic location: 3p21.31.
Variant type: single nucleotide variant.
Coding change: c.4029T>C on transcript NM_015175.3 (MANE Select); coding-DNA position 4029, T replaced by C.
Protein change: p.Asp1343=; no amino-acid change (aspartic acid 1343 retained).
Molecular consequence: synonymous variant.
Genome position (GRCh38, 1-based): chr3:47,000,128, T>C. VCF-style: chr3-47000128-T-C. GRCh37 (hg19) VCF-style: chr3-47041618-T-C.
Other names: c.3927T>C, p.Asp1309= (NM_001365116.2).
Identifiers: ClinVar variation 745021 (VCV000745021.17), dbSNP rs369906164, ClinGen allele CA2361128.